The following is an entry in ClinVar:

ClinVar aggregate classification (germline): Conflicting classifications of pathogenicity. Review status: criteria provided, conflicting classifications (1 of 4 stars). 2 submissions from 2 submitters: Uncertain significance (1); Likely benign (1). Last evaluated 2025-04-28.

Conditions:
ABCA4-related disorder. Also called: ABCA4-related condition; ABCA4-related disorders. Identifiers: MedGen CN239167.

Allele frequency attached by ClinVar (database versions not stated): gnomAD 0.00002; ExAC 0.00003; gnomAD exomes 0.00003; TOPMed 0.00005.
gnomAD v4.1: 19 of 1,614,052 alleles (0.0012%); highest among the groups gnomAD compares: East Asian, 0.025%; no homozygotes.

Submissions (2):

Labcorp Genetics (formerly Invitae), Labcorp
Classification: Uncertain significance. Last evaluated: 2025-04-28. Review status: criteria provided, single submitter. Criteria: Invitae Variant Classification Sherloc (09022015). Collection method: clinical testing. Allele origin: germline.
Comment: This sequence change falls in intron 20 of the ABCA4 gene. It does not directly change the encoded amino acid sequence of the ABCA4 protein. It affects a nucleotide within the consensus splice site. This variant is present in population databases (rs759668436, gnomAD 0.04%). This variant has not been reported in the literature in individuals affected with ABCA4-related conditions. ClinVar contains an entry for this variant (Variation ID: 1491500). Variants that disrupt the consensus splice site are a relatively common cause of aberrant splicing (PMID: 17576681, 9536098). Algorithms developed to predict the effect of sequence changes on RNA splicing suggest that this variant is not likely to affect RNA splicing. In summary, the available evidence is currently insufficient to determine the role of this variant in disease. Therefore, it has been classified as a Variant of Uncertain Significance.

PreventionGenetics, part of Exact Sciences
Classification: Likely benign for ABCA4-related condition. Last evaluated: 2025-02-23. Review status: criteria provided, single submitter. Criteria: ACMG Guidelines, 2015. Collection method: clinical testing. Allele origin: germline.
Comment: This variant is classified as likely benign based on ACMG/AMP sequence variant interpretation guidelines (Richards et al. 2015 PMID: 25741868, with internal and published modifications).

Literature cited by the submitters: PubMed 17576681 (cited by Labcorp Genetics (formerly Invitae), Labcorp); PubMed 9536098 (cited by Labcorp Genetics (formerly Invitae), Labcorp).

NM_000350.3(ABCA4):c.3050+6C>T

Gene: ABCA4 (ATP binding cassette subfamily A member 4; minus strand). Cytogenetic location: 1p22.1.
Variant type: single nucleotide variant.
Coding change: c.3050+6C>T on transcript NM_000350.3 (MANE Select); 6 bases into the intron after coding-DNA position 3050, C replaced by T.
Molecular consequence: intron variant.
Genome position (GRCh38, 1-based): chr1:94,044,607, G>A on the plus strand (C>T on the coding strand, the complement: ABCA4 is on the minus strand). VCF-style: chr1-94044607-G-A. GRCh37 (hg19) VCF-style: chr1-94510163-G-A.
Other names: c.3050+6C>T (NM_000350.2).
Identifiers: ClinVar variation 1491500 (VCV001491500.5), dbSNP rs759668436, ClinGen allele CA958074.